The following is an entry in ClinVar:

NM_015271.5(TRIM2):c.1615A>T (p.Ile539Leu)

Gene: TRIM2 (tripartite motif containing 2; plus strand). Cytogenetic location: 4q31.3.
Variant type: single nucleotide variant.
Coding change: c.1615A>T on transcript NM_015271.5 (MANE Select); coding-DNA position 1615, A replaced by T.
Protein change: p.Ile539Leu; replaces isoleucine 539 with leucine.
Molecular consequence: missense variant.
Genome position (GRCh38, 1-based): chr4:153,315,832, A>T. VCF-style: chr4-153315832-A-T. GRCh37 (hg19) VCF-style: chr4-154236984-A-T.
Other names: c.1615A>T (NM_015271.3); c.1534A>T, p.Ile512Leu (NM_001130067.2, NM_001351056.2, NM_001375512.1 and 5 more transcripts); c.1588A>T, p.Ile530Leu (NM_001351054.2); c.1585A>T, p.Ile529Leu (NM_001351055.2); c.1159A>T, p.Ile387Leu (NM_001351057.2); c.1708A>T, p.Ile570Leu (NM_001375488.1); c.1705A>T, p.Ile569Leu (NM_001375489.1); c.1558A>T, p.Ile520Leu (NM_001375490.1); and 4 more; short protein forms I387L, I512L, I519L, I529L, I539L, I426L, I520L, I427L.
Identifiers: ClinVar variation 863039 (VCV000863039.10), dbSNP rs113767540, ClinGen allele CA3108798.

ClinVar aggregate classification (germline): Uncertain significance. Review status: criteria provided, multiple submitters, no conflicts (2 of 4 stars). 2 submissions from 2 submitters: Uncertain significance (2). Last evaluated 2021-08-02.

Conditions:
Charcot-Marie-Tooth disease type 2R. Also called: CHARCOT-MARIE-TOOTH DISEASE, AXONAL, AUTOSOMAL RECESSIVE, TYPE 2R; Charcot-Marie-Tooth disease, axonal, type 2R; CHARCOT-MARIE-TOOTH NEUROPATHY, TYPE 2R. Identifiers: Orphanet 397968, MedGen C3809655, MONDO:0014208, OMIM 615490.

Allele frequency attached by ClinVar (database versions not stated): ExAC 0.00003; gnomAD 0.00001; TOPMed 0.00001; gnomAD exomes 0.00002.
gnomAD v4.1: 22 of 1,614,028 alleles (0.0014%); highest among the groups gnomAD compares: Non-Finnish European, 0.0018%; no homozygotes.

Submissions (2):

Ambry Genetics
Classification: Uncertain significance. Last evaluated: 2021-08-02. Review status: criteria provided, single submitter. Criteria: Ambry Variant Classification Scheme 2023. Collection method: clinical testing. Allele origin: germline.

Labcorp Genetics (formerly Invitae), Labcorp
Classification: Uncertain significance for Charcot-Marie-Tooth disease type 2R. Last evaluated: 2021-04-16. Review status: criteria provided, single submitter. Criteria: Invitae Variant Classification Sherloc (09022015). Collection method: clinical testing. Allele origin: germline.
Comment: This variant has not been reported in the literature in individuals with TRIM2-related conditions. This variant is present in population databases (rs113767540, ExAC 0.006%). This sequence change replaces isoleucine with leucine at codon 512 of the TRIM2 protein (p.Ile512Leu). The isoleucine residue is moderately conserved and there is a small physicochemical difference between isoleucine and leucine. Algorithms developed to predict the effect of missense changes on protein structure and function (SIFT, PolyPhen-2, Align-GVGD) all suggest that this variant is likely to be tolerated, but these predictions have not been confirmed by published functional studies and their clinical significance is uncertain. In summary, the available evidence is currently insufficient to determine the role of this variant in disease. Therefore, it has been classified as a Variant of Uncertain Significance. Algorithms developed to predict the effect of sequence changes on RNA splicing suggest that this variant may disrupt the consensus splice site, but this prediction has not been confirmed by published transcriptional studies.